The following is an entry in ClinVar:

ClinVar aggregate classification (germline): Uncertain significance (1 of 4 stars; one submission).

Allele frequency attached by ClinVar (database versions not stated): gnomAD exomes below 0.00001; TOPMed below 0.00001.
gnomAD v4.1: 2 of 1,613,786 alleles (0.00012%); highest among the groups gnomAD compares: Admixed American, 0.0017%; no homozygotes.

Submission:

Ambry Genetics
Classification: Uncertain significance. Last evaluated: 2024-08-18. Review status: criteria provided, single submitter. Criteria: Ambry Variant Classification Scheme 2023. Collection method: clinical testing. Allele origin: germline.
Comment: The p.I31V variant (also known as c.91A>G), located in coding exon 1 of the IDH1 gene, results from an A to G substitution at nucleotide position 91. The isoleucine at codon 31 is replaced by valine, an amino acid with highly similar properties. This amino acid position is conserved. In addition, this alteration is predicted to be tolerated by in silico analysis. Since supporting evidence is limited at this time, the clinical significance of this alteration remains unclear.

NM_005896.4(IDH1):c.91A>G (p.Ile31Val)

Gene: IDH1 (isocitrate dehydrogenase (NADP(+)) 1; minus strand). Cytogenetic location: 2q34.
Variant type: single nucleotide variant.
Coding change: c.91A>G on transcript NM_005896.4 (MANE Select); coding-DNA position 91, A replaced by G.
Protein change: p.Ile31Val; replaces isoleucine 31 with valine.
Molecular consequence: missense variant.
Genome position (GRCh38, 1-based): chr2:208,251,461, T>C on the plus strand (A>G on the coding strand, the complement: IDH1 is on the minus strand). VCF-style: chr2-208251461-T-C. GRCh37 (hg19) VCF-style: chr2-209116185-T-C.
Other names: c.91A>G, p.Ile31Val (NM_001282386.1, NM_001282387.1); short protein forms I31V.
Identifiers: ClinVar variation 1766154 (VCV001766154.3), dbSNP rs1244968146, ClinGen allele CA350102897.